The following is an entry in ClinVar:

NM_017654.4(SAMD9):c.2855G>A (p.Gly952Glu)

Gene: SAMD9 (sterile alpha motif domain containing 9; minus strand). Cytogenetic location: 7q21.2.
Variant type: single nucleotide variant.
Coding change: c.2855G>A on transcript NM_017654.4 (MANE Select); coding-DNA position 2855, G replaced by A.
Protein change: p.Gly952Glu; replaces glycine 952 with glutamic acid.
Molecular consequence: missense variant.
Genome position (GRCh38, 1-based): chr7:93,103,243, C>T on the plus strand (G>A on the coding strand, the complement: SAMD9 is on the minus strand). VCF-style: chr7-93103243-C-T. GRCh37 (hg19) VCF-style: chr7-92732556-C-T.
Other names: c.2855G>A, p.Gly952Glu (NM_001193307.2); short protein forms G952E.
Identifiers: ClinVar variation 3437115 (VCV003437115.2).

ClinVar aggregate classification (germline): Uncertain significance (1 of 4 stars; one submission).

Conditions:
Inborn genetic diseases. Identifiers: MedGen C0950123, MeSH D030342.

gnomAD v4.1: 1 of 1,613,512 alleles (0.000062%); highest among the groups gnomAD compares: Middle Eastern, 0.016%; no homozygotes.

Submission:

Ambry Genetics
Classification: Uncertain significance for Inborn genetic diseases. Last evaluated: 2026-05-04. Review status: criteria provided, single submitter. Criteria: Ambry Variant Classification Scheme 2023. Collection method: clinical testing. Allele origin: germline.
Comment: The p.G952E variant (also known as c.2855G>A), located in coding exon 1 of the SAMD9 gene, results from a G to A substitution at nucleotide position 2855. The glycine at codon 952 is replaced by glutamic acid, an amino acid with similar properties. This amino acid position is conserved. In addition, this alteration is predicted to be tolerated by in silico analysis. Based on the available evidence, the clinical significance of this variant remains unclear.